The following is an entry in ClinVar:

ClinVar aggregate classification (germline): Uncertain significance. Review status: criteria provided, multiple submitters, no conflicts (2 of 4 stars). 2 submissions from 2 submitters: Uncertain significance (2). Last evaluated 2024-01-11.

Conditions:
Cohen syndrome (COH1). Also called: Cutis verticis gyrata, retinitis pigmentosa, and sensorineural deafness; PEPPER SYNDROME. Identifiers: Orphanet 193, MedGen C0265223, MONDO:0008999, OMIM 216550.

Allele frequency attached by ClinVar (database versions not stated): gnomAD exomes below 0.00001 and 0.00001; TOPMed below 0.00001; ExAC 0.00001.
gnomAD v4.1: 12 of 1,613,648 alleles (0.00074%); highest among the groups gnomAD compares: East Asian, 0.0022%; no homozygotes.

Submissions (2):

Labcorp Genetics (formerly Invitae), Labcorp
Classification: Uncertain significance for Cohen syndrome. Last evaluated: 2024-01-11. Review status: criteria provided, single submitter. Criteria: Invitae Variant Classification Sherloc (09022015). Collection method: clinical testing. Allele origin: germline.
Comment: This sequence change replaces arginine, which is basic and polar, with cysteine, which is neutral and slightly polar, at codon 2202 of the VPS13B protein (p.Arg2202Cys). This variant is present in population databases (rs756143690, gnomAD 0.0009%). This variant has not been reported in the literature in individuals affected with VPS13B-related conditions. ClinVar contains an entry for this variant (Variation ID: 1420002). Advanced modeling of protein sequence and biophysical properties (such as structural, functional, and spatial information, amino acid conservation, physicochemical variation, residue mobility, and thermodynamic stability) has been performed at Invitae for this missense variant, however the output from this modeling did not meet the statistical confidence thresholds required to predict the impact of this variant on VPS13B protein function. In summary, the available evidence is currently insufficient to determine the role of this variant in disease. Therefore, it has been classified as a Variant of Uncertain Significance.

New York Genome Center
Classification: Uncertain significance for Cohen syndrome. Last evaluated: 2022-05-24. Review status: criteria provided, single submitter. Criteria: NYGC Assertion Criteria 2020. Collection method: clinical testing. Allele origin: germline. Observed: 1 heterozygote.

NM_152564.5(VPS13B):c.6529C>T (p.Arg2177Cys)

Gene: VPS13B (vacuolar protein sorting 13 homolog B; plus strand). Cytogenetic location: 8q22.2.
Variant type: single nucleotide variant.
Coding change: c.6529C>T on transcript NM_152564.5 (MANE Select); coding-DNA position 6529, C replaced by T.
Protein change: p.Arg2177Cys; replaces arginine 2177 with cysteine.
Molecular consequence: missense variant.
Genome position (GRCh38, 1-based): chr8:99,717,245, C>T. VCF-style: chr8-99717245-C-T. GRCh37 (hg19) VCF-style: chr8-100729473-C-T.
Other names: c.6529C>T (NM_152564.4); c.6604C>T, p.Arg2202Cys (NM_017890.5); short protein forms R2202C, R2177C.
Identifiers: ClinVar variation 1420002 (VCV001420002.4), dbSNP rs756143690, ClinGen allele CA4824021.